The following is an entry in ClinVar:

ClinVar aggregate classification (germline): Benign/Likely benign. Review status: criteria provided, multiple submitters, no conflicts (2 of 4 stars). 2 submissions from 2 submitters: Benign (1); Likely benign (1). Last evaluated 2024-12-20.

Conditions:
Hereditary nonpolyposis colorectal neoplasms. Identifiers: MedGen C0009405, MeSH D003123.
Lynch syndrome 5 (LYNCH5). Also called: Hereditary non-polyposis colorectal cancer, type 5; Colorectal cancer, hereditary nonpolyposis, type 5. Identifiers: Orphanet 144, MedGen C1833477, MONDO:0013710, OMIM 614350. Disease mechanism: loss of function.

Submissions (2):

Myriad Genetics, Inc.
Classification: Benign for Lynch syndrome 5. Last evaluated: 2024-12-20. Review status: criteria provided, single submitter. Criteria: Myriad Autosomal Dominant, Autosomal Recessive and X-Linked Classification Criteria (2023). Collection method: clinical testing. Allele origin: unknown.
Comment: This variant is considered benign. This variant is a silent/synonymous amino acid change and it is not expected to impact splicing.

Labcorp Genetics (formerly Invitae), Labcorp
Classification: Likely benign for Hereditary nonpolyposis colorectal neoplasms. Last evaluated: 2024-03-24. Review status: criteria provided, single submitter. Criteria: Invitae Variant Classification Sherloc (09022015). Collection method: clinical testing. Allele origin: germline.

NM_000179.3(MSH6):c.1017T>C (p.Ala339=)

Gene: MSH6 (mutS homolog 6; plus strand). Cytogenetic location: 2p16.3.
Variant type: single nucleotide variant.
Coding change: c.1017T>C on transcript NM_000179.3 (MANE Select); coding-DNA position 1017, T replaced by C.
Protein change: p.Ala339=; no amino-acid change (alanine 339 retained).
Molecular consequence: synonymous variant. On other transcripts: non-coding transcript variant (4), intron variant (1).
Genome position (GRCh38, 1-based): chr2:47,799,000, T>C. VCF-style: chr2-47799000-T-C. GRCh37 (hg19) VCF-style: chr2-48026139-T-C.
Other names: c.627T>C, p.Ala209= (NM_001281492.2); c.111T>C, p.Ala37= (NM_001281493.2, NM_001281494.2, NM_001406811.1 and 6 more transcripts); c.1113T>C, p.Ala371= (NM_001406795.1, NM_001406802.1); c.1017T>C, p.Ala339= (NM_001406796.1, NM_001406798.1, NM_001406800.1 and 4 more transcripts); c.720T>C, p.Ala240= (NM_001406797.1, NM_001406801.1, NM_001406805.1 and 10 more transcripts); c.492T>C, p.Ala164= (NM_001406799.1, NM_001406806.1, NM_001406807.1); c.939T>C, p.Ala313= (NM_001406804.1); c.1023T>C, p.Ala341= (NM_001406813.1); and 2 more.
Identifiers: ClinVar variation 2759364 (VCV002759364.4), dbSNP rs2104313744, ClinGen allele CA426120771.